The following is an entry in ClinVar:

NM_033004.4(NLRP1):c.3527A>G (p.His1176Arg)

Gene: NLRP1 (NLR family pyrin domain containing 1; minus strand). Cytogenetic location: 17p13.2.
Variant type: single nucleotide variant.
Coding change: c.3527A>G on transcript NM_033004.4 (MANE Select); coding-DNA position 3527, A replaced by G.
Protein change: p.His1176Arg; replaces histidine 1176 with arginine.
Molecular consequence: missense variant.
Genome position (GRCh38, 1-based): chr17:5,521,780, T>C on the plus strand (A>G on the coding strand, the complement: NLRP1 is on the minus strand). VCF-style: chr17-5521780-T-C. GRCh37 (hg19) VCF-style: chr17-5425100-T-C.
Other names: c.3527A>G (NM_033004.3); c.3539A>G, p.His1180Arg (NM_001033053.3); c.3527A>G, p.His1176Arg (NM_014922.5); c.3437A>G, p.His1146Arg (NM_033006.4, NM_033007.4); short protein forms H1176R, H1180R, H1146R.
Identifiers: ClinVar variation 1985777 (VCV001985777.5), dbSNP rs369786267, ClinGen allele CA8326792.
Genomic context (GRCh38, chr17:5,521,780, plus strand): 5'-TTCTCCAGGAGCATCCCCTCCTCTTTAAAGTGGGCCATTTGGAACAGGGATGTGTCCACA[T>C]GGCCCCCTGTAAAAGAATGGATTGAAGAGGCACAGGTTTATTTTTATTTATTTATTTTGT-3'
Protein context (NP_127497.1, residues 1166-1186): LPHFVALQGG[His1176Arg]VDTSLFQMAH

ClinVar aggregate classification (germline): Uncertain significance. Review status: criteria provided, multiple submitters, no conflicts (2 of 4 stars). 2 submissions from 2 submitters: Uncertain significance (2). Last evaluated 2025-09-22.

Conditions:
Inborn genetic diseases. Identifiers: MedGen C0950123, MeSH D030342.

Allele frequency attached by ClinVar (database versions not stated): gnomAD exomes below 0.00001; ExAC 0.00001; TOPMed 0.00002; gnomAD 0.00005; ESP Exome Variant Server 0.00008.

Submissions (2):

Ambry Genetics
Classification: Uncertain significance for Inborn genetic diseases. Last evaluated: 2025-09-22. Review status: criteria provided, single submitter. Criteria: Ambry Variant Classification Scheme 2023. Collection method: clinical testing. Allele origin: germline.

Labcorp Genetics (formerly Invitae), Labcorp
Classification: Uncertain significance. Last evaluated: 2024-12-15. Review status: criteria provided, single submitter. Criteria: Invitae Variant Classification Sherloc (09022015). Collection method: clinical testing. Allele origin: germline.
Comment: This sequence change replaces histidine, which is basic and polar, with arginine, which is basic and polar, at codon 1176 of the NLRP1 protein (p.His1176Arg). This variant is present in population databases (rs369786267, gnomAD 0.02%). This variant has not been reported in the literature in individuals affected with NLRP1-related conditions. ClinVar contains an entry for this variant (Variation ID: 1985777). An algorithm developed to predict the effect of missense changes on protein structure and function outputs the following: PolyPhen-2: "Benign". The arginine amino acid residue is found in multiple mammalian species, which suggests that this missense change does not adversely affect protein function. In summary, the available evidence is currently insufficient to determine the role of this variant in disease. Therefore, it has been classified as a Variant of Uncertain Significance.